The following is an entry in ClinVar:

NM_015046.7(SETX):c.4816C>T (p.Arg1606Ter)

Gene: SETX (senataxin; minus strand). Cytogenetic location: 9q34.13.
Variant type: single nucleotide variant.
Coding change: c.4816C>T on transcript NM_015046.7 (MANE Select); coding-DNA position 4816, C replaced by T.
Protein change: p.Arg1606Ter; replaces arginine 1606 with a stop codon.
Molecular consequence: nonsense.
Genome position (GRCh38, 1-based): chr9:132,326,782, G>A on the plus strand (C>T on the coding strand, the complement: SETX is on the minus strand). VCF-style: chr9-132326782-G-A. GRCh37 (hg19) VCF-style: chr9-135202169-G-A.
Other names: c.4816C>T, p.Arg1606Ter (NM_001351527.2, NM_001351528.2); short protein forms R1606*.
Identifiers: ClinVar variation 280027 (VCV000280027.7), dbSNP rs759213174, ClinGen allele CA5297136.

ClinVar aggregate classification (germline): Pathogenic. Review status: criteria provided, multiple submitters, no conflicts (2 of 4 stars). 3 submissions from 3 submitters: Pathogenic (3). Last evaluated 2023-10-03.

Conditions:
Amyotrophic lateral sclerosis type 4 (ALS4). Also called: NEURONOPATHY, DISTAL HEREDITARY MOTOR, WITH PYRAMIDAL FEATURES; AMYOTROPHIC LATERAL SCLEROSIS 4, JUVENILE. Identifiers: Orphanet 357043, MedGen C1865409, MONDO:0011223, OMIM 602433.
Spinocerebellar ataxia, autosomal recessive, with axonal neuropathy 2 (SCAN2). Also called: Ataxia-ocular apraxia-2; Ataxia with Oculomotor Apraxia Type 2; Ataxia with Oculomotor Apraxia; ATAXIA-OCULOMOTOR APRAXIA 2. Identifiers: Orphanet 64753, MedGen C1853761, MONDO:0018996, OMIM 606002.

Allele frequency attached by ClinVar (database versions not stated): gnomAD exomes below 0.00001; ExAC 0.00001; TOPMed 0.00001.
gnomAD v4.1: 7 of 1,614,226 alleles (0.00043%); highest among the groups gnomAD compares: Non-Finnish European, 0.00059%; no homozygotes.

Submissions (3):

Labcorp Genetics (formerly Invitae), Labcorp
Classification: Pathogenic for Amyotrophic lateral sclerosis type 4; Spinocerebellar ataxia, autosomal recessive, with axonal neuropathy 2. Last evaluated: 2023-10-03. Review status: criteria provided, single submitter. Criteria: Invitae Variant Classification Sherloc (09022015). Collection method: clinical testing. Allele origin: germline.
Comment: This sequence change creates a premature translational stop signal (p.Arg1606*) in the SETX gene. It is expected to result in an absent or disrupted protein product. Loss-of-function variants in SETX are known to be pathogenic (PMID: 14770181). This variant is not present in population databases (gnomAD no frequency). This premature translational stop signal has been observed in individuals with clinical features of autosomal recessive spinocerebellar ataxia (PMID: 19744353, 33956305). ClinVar contains an entry for this variant (Variation ID: 280027). For these reasons, this variant has been classified as Pathogenic.

Genome-Nilou Lab
Classification: Pathogenic for Spinocerebellar ataxia, autosomal recessive, with axonal neuropathy 2. Last evaluated: 2023-02-08. Review status: criteria provided, single submitter. Criteria: ACMG Guidelines, 2015. Collection method: clinical testing. Allele origin: germline.

GeneDx
Classification: Pathogenic. Last evaluated: 2018-09-20. Review status: criteria provided, single submitter. Criteria: GeneDx Variant Classification (06012015). Collection method: clinical testing. Allele origin: germline. Affected: yes.
Comment: The R1606X pathogenic variant in the SETX gene has been reported previously in combination with a second SETX variant in two unrelated individuals with ataxia, oculomotor apraxia, cerebellar dysarthria, neuropathy with muscular atrophy, areflexia of upper and lower limbs, and eleveated serum AFP (Bernard et al., 2009). This variant is predicted to cause loss of normal protein function either through protein truncation or nonsense-mediated mRNA decay. The R1606X variant was not observed in approximately 6500 individuals of European and African American ancestry in the NHLBI Exome Sequencing Project, indicating it is not a common benign variant in these populations. We interpret R1606X as a pathogenic variant.

Literature cited by the submitters: PubMed 14770181 (cited by Labcorp Genetics (formerly Invitae), Labcorp); PubMed 19744353 (cited by Labcorp Genetics (formerly Invitae), Labcorp); PubMed 33956305 (cited by Labcorp Genetics (formerly Invitae), Labcorp).